The following is an entry in ClinVar:

NM_206933.4(USH2A):c.8890dup (p.Trp2964fs)

Gene: USH2A (usherin; minus strand). Cytogenetic location: 1q41.
Variant type: Duplication.
Coding change: c.8890dup on transcript NM_206933.4 (MANE Select); coding-DNA position 8890, one base duplicated (T; older notation c.8890dupT).
Protein change: p.Trp2964fs; shifts the reading frame from tryptophan 2964.
Molecular consequence: frameshift variant.
Genome position (GRCh38, 1-based): chr1:215,845,989, A duplicated on the plus strand (T on the coding strand, the reverse complement: USH2A is on the minus strand); the first of 6 consecutive A bases (chr1:215,845,989-215,845,994); duplicating any one gives the same sequence. VCF-style (leftmost placement, unchanged base first): chr1-215845988-C-CA. GRCh37 (hg19) VCF-style: chr1-216019330-C-CA.
Other names: short protein forms W2964fs.
Identifiers: ClinVar variation 30724 (VCV000030724.5), dbSNP rs786205116, ClinGen allele CA259898.
Genomic context (GRCh38, chr1:215,845,988, plus strand): 5'-ATGACATGAGAGTTTACATCTGGCAAGATTTTTAGAGAGTCGTTTGAGGTAGCAGAACTC[C>CA]AAAAAAGTGTGTAATATTCAACTTCACCTTGTAGGTCTTGAACAGCTGTCAACAATAAAT-3'

ClinVar aggregate classification (germline): Pathogenic. Review status: criteria provided, single submitter (1 of 4 stars). 2 submissions from 2 submitters: Pathogenic (1). 1 of the submissions does not count toward it. Last evaluated 2025-12-16.

Conditions:
Usher syndrome type 2A. Also called: USHER SYNDROME, TYPE IIA; RETINAL DISEASE IN USHER SYNDROME TYPE IIA, MODIFIER OF. Identifiers: Orphanet 231178, Orphanet 886, MedGen C1848634, MONDO:0010169, OMIM 276901.

Submissions (2):

Labcorp Genetics (formerly Invitae), Labcorp
Classification: Pathogenic. Last evaluated: 2025-12-16. Review status: criteria provided, single submitter. Criteria: Invitae Variant Classification Sherloc (09022015). Collection method: clinical testing. Allele origin: germline.
Comment: This sequence change creates a premature translational stop signal (p.Trp2964Leufs*89) in the USH2A gene. It is expected to result in an absent or disrupted protein product. Loss-of-function variants in USH2A are known to be pathogenic (PMID: 10729113, 10909849, 20507924, 25649381). This variant is not present in population databases (gnomAD no frequency). This premature translational stop signal has been observed in individual(s) with Usher syndrome (PMID: 22004887). ClinVar contains an entry for this variant (Variation ID: 30724). For these reasons, this variant has been classified as Pathogenic.

OMIM
Classification: Pathogenic for USHER SYNDROME, TYPE IIA. Last evaluated: 2012-01-01. Review status: no assertion criteria provided. Collection method: literature only. Allele origin: germline. Not counted in ClinVar's aggregate classification.

Literature cited by the submitters: PubMed 10729113 (cited by Labcorp Genetics (formerly Invitae), Labcorp); PubMed 10909849 (cited by Labcorp Genetics (formerly Invitae), Labcorp); PubMed 20507924 (cited by Labcorp Genetics (formerly Invitae), Labcorp); PubMed 25649381 (cited by Labcorp Genetics (formerly Invitae), Labcorp); PubMed 22004887 (cited by Labcorp Genetics (formerly Invitae), Labcorp); PubMed 22009552 (cited by OMIM).